The following is an entry in ClinVar:

NM_000552.5(VWF):c.1330G>A (p.Val444Ile)

Gene: VWF (von Willebrand factor; minus strand). Cytogenetic location: 12p13.31.
Variant type: single nucleotide variant.
Coding change: c.1330G>A on transcript NM_000552.5 (MANE Select); coding-DNA position 1330, G replaced by A.
Protein change: p.Val444Ile; replaces valine 444 with isoleucine.
Molecular consequence: missense variant.
Genome position (GRCh38, 1-based): chr12:6,064,348, C>T on the plus strand (G>A on the coding strand, the complement: VWF is on the minus strand). VCF-style: chr12-6064348-C-T. GRCh37 (hg19) VCF-style: chr12-6173514-C-T.
Other names: p.Val444Ile; c.1330G>A (NM_000552.3, NM_000552.4); short protein forms V444I.
Identifiers: ClinVar variation 291166 (VCV000291166.10), dbSNP rs149116506, ClinGen allele CA6403449.

ClinVar aggregate classification (germline): Uncertain significance. Review status: criteria provided, multiple submitters, no conflicts (2 of 4 stars). 5 submissions from 5 submitters: Uncertain significance (5). Last evaluated 2025-05-14.

Allele frequency attached by ClinVar (database versions not stated): gnomAD exomes 0.00006 and 0.00010; ExAC 0.00010; gnomAD 0.00025 and 0.00026; ESP Exome Variant Server 0.00008; TOPMed 0.00031.
gnomAD v4.1: 122 of 1,614,050 alleles (0.0076%); highest among the groups gnomAD compares: African/African-American, 0.083%; no homozygotes.

Submissions (5):

Women's Health and Genetics/Laboratory Corporation of America, LabCorp
Classification: Uncertain significance. Last evaluated: 2025-05-14. Review status: criteria provided, single submitter. Criteria: LabCorp Variant Classification Summary - May 2015. Collection method: clinical testing. Allele origin: germline.
Comment: Variant summary: VWF c.1330G>A (p.Val444Ile) results in a conservative amino acid change in the encoded protein sequence. Algorithms developed to predict the effect of missense changes on protein structure and function are either unavailable or do not agree on the potential impact of this missense change. The variant allele was found at a frequency of 0.0001 in 250298 control chromosomes. This frequency is not significantly higher than estimated for a pathogenic variant in VWF causing Von Willebrand Disease, allowing no conclusion about variant significance. To our knowledge, no occurrence of c.1330G>A in individuals affected with Von Willebrand Disease and no experimental evidence demonstrating its impact on protein function have been reported. ClinVar contains an entry for this variant (Variation ID: 291166). Based on the evidence outlined above, the variant was classified as uncertain significance.

ARUP Laboratories, Molecular Genetics and Genomics, ARUP Laboratories
Classification: Uncertain significance. Last evaluated: 2025-02-28. Review status: criteria provided, single submitter. Criteria: ARUP Molecular Germline Variant Investigation Process 2024. Collection method: clinical testing. Allele origin: germline.
Comment: The VWF c.1330G>A; p.Val444Ile variant (rs149116506), to our knowledge, is not reported in the medical literature in individuals affected with VWF-related disorders but is reported in ClinVar (Variation ID: 291166). This variant is found in the general population with an overall allele frequency of 0.01% (31/281,680 alleles) in the Genome Aggregation Database (v2.1.1). Computational analyses are uncertain whether this variant is neutral or deleterious (REVEL: 0.152). Due to limited information, the clinical significance of this variant is uncertain at this time.

Quest Diagnostics Nichols Institute San Juan Capistrano
Classification: Uncertain significance. Last evaluated: 2023-10-09. Review status: criteria provided, single submitter. Criteria: Quest Diagnostics criteria. Collection method: clinical testing. Allele origin: unknown.

Mayo Clinic Laboratories, Mayo Clinic
Classification: Uncertain significance. Last evaluated: 2023-01-16. Review status: criteria provided, single submitter. Criteria: ACMG Guidelines, 2015. Collection method: clinical testing. Allele origin: germline. Observed: 1 variant allele.
Comment: BP4, PM1

Eurofins Ntd Llc (ga)
Classification: Uncertain significance. Last evaluated: 2016-09-20. Review status: criteria provided, single submitter. Criteria: EGL Classification Definitions 2015. Collection method: clinical testing. Allele origin: germline. Observed: 2 variant alleles, 2 heterozygotes.